The following is an entry in ClinVar:

ClinVar aggregate classification (germline): Uncertain significance (1 of 4 stars; one submission).

Conditions:
Hereditary cancer-predisposing syndrome. Also called: Hereditary Cancer Syndrome; Hereditary neoplastic syndrome; Neoplastic Syndromes, Hereditary; Tumor predisposition. Identifiers: Orphanet 140162, MedGen C0027672, MeSH D009386, MONDO:0015356.

Submission:

Ambry Genetics
Classification: Uncertain significance for Hereditary cancer-predisposing syndrome. Last evaluated: 2022-08-03. Review status: criteria provided, single submitter. Criteria: Ambry Variant Classification Scheme 2023. Collection method: clinical testing. Allele origin: germline.
Comment: The c.628-5G>A intronic variant results from a G to A substitution 5 nucleotides upstream from coding exon 4 in the MSH6 gene. This nucleotide position is not well conserved in available vertebrate species. In silico splice site analysis predicts that this alteration will result in the creation or strengthening of a novel splice acceptor site; however, direct evidence is insufficient at this time (Ambry internal data). Since supporting evidence is limited at this time, the clinical significance of this alteration remains unclear.

NM_000179.3(MSH6):c.628-5G>A

Gene: MSH6 (mutS homolog 6; plus strand). Cytogenetic location: 2p16.3.
Variant type: single nucleotide variant.
Coding change: c.628-5G>A on transcript NM_000179.3 (MANE Select); 5 bases into the intron before coding-DNA position 628, G replaced by A.
Molecular consequence: intron variant.
Genome position (GRCh38, 1-based): chr2:47,798,606, G>A. VCF-style: chr2-47798606-G-A. GRCh37 (hg19) VCF-style: chr2-48025745-G-A.
Other names: c.-279-5G>A (NM_001281493.2); c.238-5G>A (NM_001281492.2); c.-275-9G>A (NM_001281494.2).
Identifiers: ClinVar variation 1752617 (VCV001752617.2), dbSNP rs1669237761, ClinGen allele CA2580067187.